The following is an entry in ClinVar:

ClinVar aggregate classification (germline): Uncertain significance (1 of 4 stars; one submission).

Conditions:
Episodic ataxia type 2 (EA2). Also called: CEREBELLAR ATAXIA, PAROXYSMAL, ACETAZOLAMIDE-RESPONSIVE; CEREBELLOPATHY, HEREDITARY PAROXYSMAL; EPISODIC ATAXIA, NYSTAGMUS-ASSOCIATED; ACETAZOLAMIDE-RESPONSIVE HEREDITARY PAROXYSMAL CEREBELLAR ATAXIA; ATAXIA, EPISODIC, WITH NYSTAGMUS; ATAXIA, FAMILIAL PAROXYSMAL. Identifiers: Orphanet 97, MedGen C1720416, MONDO:0007163, OMIM 108500.
Developmental and epileptic encephalopathy, 42 (DEE42A). Also called: Epileptic encephalopathy, early infantile, 42; DEVELOPMENTAL AND EPILEPTIC ENCEPHALOPATHY 42A; EPILEPTIC ENCEPHALOPATHY, EARLY INFANTILE, 42A. Identifiers: MedGen C4310716, MONDO:0014917, OMIM 617106.

Submission:

Labcorp Genetics (formerly Invitae), Labcorp
Classification: Uncertain significance for Developmental and epileptic encephalopathy, 42; Episodic ataxia type 2. Last evaluated: 2023-08-03. Review status: criteria provided, single submitter. Criteria: Invitae Variant Classification Sherloc (09022015). Collection method: clinical testing. Allele origin: germline.
Comment: This variant has not been reported in the literature in individuals affected with CACNA1A-related conditions. This sequence change replaces threonine, which is neutral and polar, with isoleucine, which is neutral and non-polar, at codon 845 of the CACNA1A protein (p.Thr845Ile). This variant is not present in population databases (gnomAD no frequency). Advanced modeling of protein sequence and biophysical properties (such as structural, functional, and spatial information, amino acid conservation, physicochemical variation, residue mobility, and thermodynamic stability) performed at Invitae indicates that this missense variant is not expected to disrupt CACNA1A protein function. In summary, the available evidence is currently insufficient to determine the role of this variant in disease. Therefore, it has been classified as a Variant of Uncertain Significance.

NM_001127222.2(CACNA1A):c.2531C>T (p.Thr844Ile)

Gene: CACNA1A (calcium voltage-gated channel subunit alpha1 A; minus strand). Cytogenetic location: 19p13.13.
Variant type: single nucleotide variant.
Coding change: c.2531C>T on transcript NM_001127222.2 (MANE Select); coding-DNA position 2531, C replaced by T.
Protein change: p.Thr844Ile; replaces threonine 844 with isoleucine.
Molecular consequence: missense variant.
Genome position (GRCh38, 1-based): chr19:13,299,102, G>A on the plus strand (C>T on the coding strand, the complement: CACNA1A is on the minus strand). VCF-style: chr19-13299102-G-A. GRCh37 (hg19) VCF-style: chr19-13409916-G-A.
Other names: c.2543C>T, p.Thr848Ile (NM_000068.4, NM_023035.3); c.2534C>T, p.Thr845Ile (NM_001127221.2, NM_001174080.2); short protein forms T844I, T848I, T845I.
Identifiers: ClinVar variation 2950638 (VCV002950638.3), dbSNP rs2144956772, ClinGen allele CA404343247.